The following is an entry in ClinVar:

NM_000245.4(MET):c.732T>G (p.Ser244=)

Gene: MET (MET proto-oncogene, receptor tyrosine kinase; plus strand). Cytogenetic location: 7q31.2.
Variant type: single nucleotide variant.
Coding change: c.732T>G on transcript NM_000245.4 (MANE Select); coding-DNA position 732, T replaced by G.
Protein change: p.Ser244=; no amino-acid change (serine 244 retained).
Molecular consequence: synonymous variant. On other transcripts: intron variant (1).
Genome position (GRCh38, 1-based): chr7:116,699,816, T>G. VCF-style: chr7-116699816-T-G. GRCh37 (hg19) VCF-style: chr7-116339870-T-G.
Other names: c.732T>G, p.Ser244= (NM_001127500.3, NM_001324401.3); c.-91+27239T>G (NM_001324402.2); c.732T>G (NM_001127500.2).
Identifiers: ClinVar variation 187365 (VCV000187365.20), dbSNP rs770202229, ClinGen allele CA197463.
Genomic context (GRCh38, chr7:116,699,816, plus strand): 5'-TGGTTTTATGTTTTTGACGGACCAGTCCTACATTGATGTTTTACCTGAGTTCAGAGATTC[T>G]TACCCCATTAAGTATGTCCATGCCTTTGAAAGCAACAATTTTATTTACTTCTTGACGGTC-3'
Protein context (NP_000236.2, residues 234-254): YIDVLPEFRD[Ser244=]YPIKYVHAFE

ClinVar aggregate classification (germline): Benign/Likely benign. Review status: criteria provided, multiple submitters, no conflicts (2 of 4 stars). 5 submissions from 5 submitters: Benign (1); Likely benign (3). 1 of the submissions does not count toward it. Last evaluated 2025-10-16.

Conditions:
Renal cell carcinoma. Identifiers: Orphanet 217071, MedGen C0007134, MeSH D002292, MONDO:0005086, HP:0005584.
MET-related disorder. Also called: MET-related condition.
Hereditary cancer-predisposing syndrome. Also called: Neoplastic Syndromes, Hereditary; Tumor predisposition; Hereditary Cancer Syndrome; Hereditary neoplastic syndrome. Identifiers: Orphanet 140162, MedGen C0027672, MeSH D009386, MONDO:0015356.
Papillary renal cell carcinoma type 1 (RCCP1). Also called: RENAL CELL CARCINOMA, PAPILLARY, 1, SOMATIC; Renal adenocarcinoma; Renal cell carcinoma 1; Renal cell carcinoma, somatic. Identifiers: Orphanet 47044, MedGen C1336839, OMIM 605074, HP:0011797.

Allele frequency attached by ClinVar (database versions not stated): gnomAD exomes below 0.00001 and 0.00001; ExAC 0.00001.
gnomAD v4.1: 8 of 1,614,130 alleles (0.0005%); highest among the groups gnomAD compares: Non-Finnish European, 0.00068%; no homozygotes.

Submissions (5):

Labcorp Genetics (formerly Invitae), Labcorp
Classification: Likely benign for Renal cell carcinoma. Last evaluated: 2025-10-16. Review status: criteria provided, single submitter. Criteria: Invitae Variant Classification Sherloc (09022015). Collection method: clinical testing. Allele origin: germline.

Center for Genomic Medicine, Rigshospitalet, Copenhagen University Hospital
Classification: Likely benign. Last evaluated: 2025-03-04. Review status: criteria provided, single submitter. Criteria: ACMG Guidelines, 2015. Collection method: clinical testing. Allele origin: germline.

Myriad Genetics, Inc.
Classification: Benign for Papillary renal cell carcinoma type 1. Last evaluated: 2024-11-06. Review status: criteria provided, single submitter. Criteria: Myriad Autosomal Dominant, Autosomal Recessive and X-Linked Classification Criteria (2023). Collection method: clinical testing. Allele origin: unknown.
Comment: This variant is considered benign. This variant is a silent/synonymous amino acid change and it is not expected to impact splicing.

Ambry Genetics
Classification: Likely benign for Hereditary cancer-predisposing syndrome. Last evaluated: 2014-12-04. Review status: criteria provided, single submitter. Criteria: Ambry Variant Classification Scheme 2023. Collection method: clinical testing. Allele origin: germline.

PreventionGenetics, part of Exact Sciences
Classification: Likely benign for MET-related condition. Last evaluated: 2019-04-01. Review status: no assertion criteria provided. Collection method: clinical testing. Allele origin: germline. Not counted in ClinVar's aggregate classification.
Comment: This variant is classified as likely benign based on ACMG/AMP sequence variant interpretation guidelines (Richards et al. 2015 PMID: 25741868, with internal and published modifications).